The following is an entry in ClinVar:

NM_013266.4(CTNNA3):c.1281+4A>G

Gene: CTNNA3 (catenin alpha 3; minus strand). Cytogenetic location: 10q21.3.
Variant type: single nucleotide variant.
Coding change: c.1281+4A>G on transcript NM_013266.4 (MANE Select); 4 bases into the intron after coding-DNA position 1281, A replaced by G.
Molecular consequence: intron variant.
Genome position (GRCh38, 1-based): chr10:66,766,260, T>C on the plus strand (A>G on the coding strand, the complement: CTNNA3 is on the minus strand). VCF-style: chr10-66766260-T-C. GRCh37 (hg19) VCF-style: chr10-68526018-T-C.
Other names: c.1281+4A>G (NM_001127384.3).
Identifiers: ClinVar variation 1317629 (VCV001317629.7), dbSNP rs1364739747, ClinGen allele CA594196795.

ClinVar aggregate classification (germline): Conflicting classifications of pathogenicity. Review status: criteria provided, conflicting classifications (1 of 4 stars). 3 submissions from 3 submitters: Uncertain significance (1); Likely benign (2). Last evaluated 2025-06-03.

Conditions:
Arrhythmogenic right ventricular dysplasia 13. Also called: ARRHYTHMOGENIC RIGHT VENTRICULAR CARDIOMYOPATHY 13; Arrhythmogenic right ventricular dysplasia, familial, 13. Identifiers: MedGen C3810138, MONDO:0000908, OMIM 615616.

Allele frequency attached by ClinVar (database versions not stated): gnomAD 0.00003; gnomAD exomes 0.00003 and 0.00009; TOPMed 0.00003.
gnomAD v4.1: 154 of 1,613,318 alleles (0.0095%); highest among the groups gnomAD compares: Non-Finnish European, 0.011%; no homozygotes.

Submissions (3):

Labcorp Genetics (formerly Invitae), Labcorp
Classification: Uncertain significance for Arrhythmogenic right ventricular dysplasia 13. Last evaluated: 2025-06-03. Review status: criteria provided, single submitter. Criteria: Invitae Variant Classification Sherloc (09022015). Collection method: clinical testing. Allele origin: germline.
Comment: This sequence change falls in intron 9 of the CTNNA3 gene. It does not directly change the encoded amino acid sequence of the CTNNA3 protein. It affects a nucleotide within the consensus splice site. This variant is present in population databases (no rsID available, gnomAD 0.004%). This variant has not been reported in the literature in individuals affected with CTNNA3-related conditions. ClinVar contains an entry for this variant (Variation ID: 1317629). Variants that disrupt the consensus splice site are a relatively common cause of aberrant splicing (PMID: 17576681, 9536098). Algorithms developed to predict the effect of sequence changes on RNA splicing suggest that this variant is not likely to affect RNA splicing. In summary, the available evidence is currently insufficient to determine the role of this variant in disease. Therefore, it has been classified as a Variant of Uncertain Significance.

Blueprint Genetics
Classification: Likely benign. Last evaluated: 2022-12-27. Review status: criteria provided, single submitter. Criteria: ACMG Guidelines, 2015. Collection method: clinical testing. Allele origin: germline.

GeneDx
Classification: Likely benign. Last evaluated: 2021-04-20. Review status: criteria provided, single submitter. Criteria: GeneDx Variant Classification Process June 2021. Collection method: clinical testing. Allele origin: germline. Affected: yes.

Literature cited by the submitters: PubMed 17576681 (cited by Labcorp Genetics (formerly Invitae), Labcorp); PubMed 9536098 (cited by Labcorp Genetics (formerly Invitae), Labcorp).